The following is an entry in ClinVar:

NM_002691.4(POLD1):c.2825C>G (p.Pro942Arg)

Gene: POLD1 (DNA polymerase delta 1, catalytic subunit; plus strand). Cytogenetic location: 19q13.33.
Variant type: single nucleotide variant.
Coding change: c.2825C>G on transcript NM_002691.4 (MANE Select); coding-DNA position 2825, C replaced by G.
Protein change: p.Pro942Arg; replaces proline 942 with arginine.
Molecular consequence: missense variant. On other transcripts: non-coding transcript variant (1).
Genome position (GRCh38, 1-based): chr19:50,416,400, C>G. VCF-style: chr19-50416400-C-G. GRCh37 (hg19) VCF-style: chr19-50919657-C-G.
Other names: c.2825C>G, p.Pro942Arg (NM_001256849.1); c.2903C>G, p.Pro968Arg (NM_001308632.1); short protein forms P968R, P942R.
Identifiers: ClinVar variation 1524448 (VCV001524448.8), dbSNP rs1270149320, ClinGen allele CA406986198.
Genomic context (GRCh38, chr19:50,416,400, plus strand): 5'-GTCCACCCCGGTGCCCTTTCCCTGGCTGCCCGGGTGTGACTGCCATGTGGCCGCAGGACC[C>G]GCTGTTCGTGCTGGAGCACAGCCTGCCCATTGACACGCAGTACTACCTGGAGCAGCAGCT-3'
Protein context (NP_002682.2, residues 932-952): GVAAYMKSED[Pro942Arg]LFVLEHSLPI

ClinVar aggregate classification (germline): Uncertain significance (1 of 4 stars; one submission).

Conditions:
POLD1-related polyposis and colorectal cancer syndrome (CRCS10). Also called: Colorectal cancer 10; COLORECTAL CANCER, SUSCEPTIBILITY TO, ON CHROMOSOME 19q; Colorectal cancer, susceptibility to, 10. Identifiers: Orphanet 220460, MedGen C2675481, MONDO:0012953, OMIM 612591.

Submission:

Labcorp Genetics (formerly Invitae), Labcorp
Classification: Uncertain significance for POLD1-related polyposis and colorectal cancer syndrome. Last evaluated: 2021-04-09. Review status: criteria provided, single submitter. Criteria: Invitae Variant Classification Sherloc (09022015). Collection method: clinical testing. Allele origin: germline.
Comment: This sequence change replaces proline with arginine at codon 942 of the POLD1 protein (p.Pro942Arg). The proline residue is highly conserved and there is a moderate physicochemical difference between proline and arginine. In summary, the available evidence is currently insufficient to determine the role of this variant in disease. Therefore, it has been classified as a Variant of Uncertain Significance. Algorithms developed to predict the effect of missense changes on protein structure and function are either unavailable or do not agree on the potential impact of this missense change (SIFT: "Deleterious"; PolyPhen-2: "Probably Damaging"; Align-GVGD: "Class C0"). This variant has not been reported in the literature in individuals with POLD1-related conditions. This variant is not present in population databases (ExAC no frequency).